The following is an entry in ClinVar:

NC_000009.12:g.35658063T>C

Gene: RMRP (RNA component of mitochondrial RNA processing endoribonuclease; minus strand). Cytogenetic location: 9p13.3.
Variant type: single nucleotide variant.
Genome position: GRCh38 VCF-style: chr9-35658063-T-C. GRCh37 (hg19) VCF-style: chr9-35658060-T-C.
Identifiers: ClinVar variation 2913325 (VCV002913325.3), dbSNP rs1309916780, ClinGen allele CA1846127752.

ClinVar aggregate classification (germline): Uncertain significance (1 of 4 stars; one submission).

Conditions:
Anauxetic dysplasia. Identifiers: Orphanet 93347, MedGen C1846796, MONDO:0011773.

Submission:

Labcorp Genetics (formerly Invitae), Labcorp
Classification: Uncertain significance for Anauxetic dysplasia. Last evaluated: 2023-10-17. Review status: criteria provided, single submitter. Criteria: Invitae Variant Classification Sherloc (09022015). Collection method: clinical testing. Allele origin: germline.
Comment: This variant occurs in the RMRP gene, which encodes an RNA molecule that does not result in a protein product. This variant is not present in population databases (gnomAD no frequency). This variant has not been reported in the literature in individuals affected with RMRP-related conditions. Experimental studies and prediction algorithms are not available or were not evaluated, and the functional significance of this variant is currently unknown. In summary, the available evidence is currently insufficient to determine the role of this variant in disease. Therefore, it has been classified as a Variant of Uncertain Significance.